The following is an entry in ClinVar:

NM_015443.4(KANSL1):c.2534G>A (p.Ser845Asn)

Gene: KANSL1 (KAT8 regulatory NSL complex subunit 1). Cytogenetic location: 17q21.31.
Variant type: single nucleotide variant.
Coding change: c.2534G>A on transcript NM_015443.4 (MANE Select); coding-DNA position 2534, G replaced by A.
Protein change: p.Ser845Asn; replaces serine 845 with asparagine.
Molecular consequence: missense variant.
Genome position (GRCh38, 1-based): chr17:46,038,545, C>T on the plus strand (G>A on the coding strand, the complement: KANSL1 is on the minus strand). VCF-style: chr17-46038545-C-T. GRCh37 (hg19) VCF-style: chr17-44115911-C-T.
Other names: p.S845N:AGC>AAC; c.2534G>A, p.Ser845Asn (NM_001193465.2, NM_001193466.2, NM_001379198.1); short protein forms S845N.
Identifiers: ClinVar variation 205798 (VCV000205798.6), dbSNP rs796052597, ClinGen allele CA315223.

ClinVar aggregate classification (germline): Uncertain significance. Review status: criteria provided, multiple submitters, no conflicts (2 of 4 stars). 2 submissions from 2 submitters: Uncertain significance (2). Last evaluated 2022-08-06.

Conditions:
Koolen-de Vries syndrome (KDVS). Identifiers: Orphanet 96169, MedGen C1864871, MONDO:0012496, OMIM 610443.

Allele frequency attached by ClinVar (database versions not stated): gnomAD exomes below 0.00001.

Submissions (2):

Labcorp Genetics (formerly Invitae), Labcorp
Classification: Uncertain significance for Koolen-de Vries syndrome. Last evaluated: 2022-08-06. Review status: criteria provided, single submitter. Criteria: Invitae Variant Classification Sherloc (09022015). Collection method: clinical testing. Allele origin: germline.
Comment: This variant is not present in population databases (gnomAD no frequency). In summary, the available evidence is currently insufficient to determine the role of this variant in disease. Therefore, it has been classified as a Variant of Uncertain Significance. Algorithms developed to predict the effect of missense changes on protein structure and function (SIFT, PolyPhen-2, Align-GVGD) all suggest that this variant is likely to be tolerated. ClinVar contains an entry for this variant (Variation ID: 205798). This variant has not been reported in the literature in individuals affected with KANSL1-related conditions. This sequence change replaces serine, which is neutral and polar, with asparagine, which is neutral and polar, at codon 845 of the KANSL1 protein (p.Ser845Asn).

GeneDx
Classification: Uncertain significance. Last evaluated: 2014-06-13. Review status: criteria provided, single submitter. Criteria: GeneDx Variant Classification (06012015). Collection method: clinical testing. Allele origin: germline. Affected: yes.
Comment: This variant is denoted p.Ser845Asn (AGC>AAC): c.2534 G>A in exon 10 of the KANSL1 gene (NM_001193466.1). The S845N variant has not been published as a mutation, nor has it been reported as a benign polymorphism to our knowledge. It was not observed in approximately 6,500 individuals of European and African American ancestry in the NHLBI Exome Sequencing Project, indicating it is not a common benign variant in these populations. This substitution occurs at a position that is conserved in mammals in the KANSL1 protein. However, the S845N variant is a conservative amino acid substitution, which is not likely to impact secondary protein structure as these residues share similar properties. Additionally, in silico analysis predicts this variant likely does not alter the protein structure/function. Therefore, based on the currently available information, it is unclear whether this variant is a pathogenic mutation or a rare benign variant. The variant is found in EPILEPSY panel(s).